The following is an entry in ClinVar:

NM_001374828.1(ARID1B):c.2003del (p.Gly668fs)

Gene: ARID1B (AT-rich interaction domain 1B; plus strand). Cytogenetic location: 6q25.3.
Variant type: Deletion.
Coding change: c.2003del on transcript NM_001374828.1 (MANE Select); coding-DNA position 2003, one base deleted (G; older notation c.2003delG).
Protein change: p.Gly668fs; shifts the reading frame from glycine 668.
Molecular consequence: frameshift variant.
Genome position (GRCh38, 1-based): chr6:156,901,392, G deleted; the last of 2 consecutive G bases (chr6:156,901,391-156,901,392); deleting either gives the same sequence. VCF-style (leftmost placement, unchanged base first): chr6-156901390-TG-T. GRCh37 (hg19) VCF-style: chr6-157222524-TG-T.
Other names: c.1754delG, p.Gly585Aspfs (NM_001346813.1); c.2042del, p.Gly681fs (NM_001371656.1, NM_001374820.1); c.2003del, p.Gly668fs (NM_017519.3); c.1793delG, p.Gly598Aspfs (NM_020732.3); c.1580delG, p.Gly527Aspfs (NM_175863.2); short protein forms G668fs, G681fs.
Identifiers: ClinVar variation 2633011 (VCV002633011.1), dbSNP rs2534823217, ClinGen allele CA2695198381.

ClinVar aggregate classification (germline): Pathogenic (1 of 4 stars; one submission).

Conditions:
ARID1B-Related Disorder. Identifiers: MedGen CN381337.

Submission:

PreventionGenetics, part of Exact Sciences
Classification: Pathogenic for ARID1B-related condition. Last evaluated: 2023-05-22. Review status: criteria provided, single submitter. Criteria: ACMG Guidelines, 2015. Collection method: clinical testing. Allele origin: germline.
Comment: The ARID1B c.1793delG variant is predicted to result in a frameshift and premature protein termination (p.Gly598Aspfs*5). To our knowledge, this variant has not been reported in the literature or in a large population database, indicating this variant is rare. Frameshift variants in ARID1B are expected to be pathogenic. This variant is interpreted as pathogenic.